The following is an entry in ClinVar:

ClinVar aggregate classification (germline): Uncertain significance. Review status: criteria provided, multiple submitters, no conflicts (2 of 4 stars). 2 submissions from 2 submitters: Uncertain significance (2). Last evaluated 2024-02-24.

Allele frequency attached by ClinVar (database versions not stated): gnomAD exomes below 0.00001; ExAC 0.00001.
gnomAD v4.1: 3 of 1,613,636 alleles (0.00019%); highest among the groups gnomAD compares: African/African-American, 0.0013%; no homozygotes.

Submissions (2):

Labcorp Genetics (formerly Invitae), Labcorp
Classification: Uncertain significance. Last evaluated: 2024-02-24. Review status: criteria provided, single submitter. Criteria: Invitae Variant Classification Sherloc (09022015). Collection method: clinical testing. Allele origin: germline.
Comment: This sequence change replaces histidine, which is basic and polar, with glutamine, which is neutral and polar, at codon 156 of the SCP2 protein (p.His156Gln). This variant is present in population databases (rs760012864, gnomAD 0.0009%). This variant has not been reported in the literature in individuals affected with SCP2-related conditions. ClinVar contains an entry for this variant (Variation ID: 594671). Algorithms developed to predict the effect of missense changes on protein structure and function output the following: SIFT: "Not Available"; PolyPhen-2: "Benign"; Align-GVGD: "Not Available". The glutamine amino acid residue is found in multiple mammalian species, which suggests that this missense change does not adversely affect protein function. In summary, the available evidence is currently insufficient to determine the role of this variant in disease. Therefore, it has been classified as a Variant of Uncertain Significance.

Eurofins Ntd Llc (ga)
Classification: Uncertain significance. Last evaluated: 2017-10-20. Review status: criteria provided, single submitter. Criteria: EGL Classification Definitions 2015. Collection method: clinical testing. Allele origin: germline. Observed: 1 variant allele, 1 heterozygote.

NM_002979.5(SCP2):c.468C>A (p.His156Gln)

Gene: SCP2 (sterol carrier protein 2; plus strand). Cytogenetic location: 1p32.3.
Variant type: single nucleotide variant.
Coding change: c.468C>A on transcript NM_002979.5 (MANE Select); coding-DNA position 468, C replaced by A.
Protein change: p.His156Gln; replaces histidine 156 with glutamine.
Molecular consequence: missense variant.
Genome position (GRCh38, 1-based): chr1:52,961,574, C>A. VCF-style: chr1-52961574-C-A. GRCh37 (hg19) VCF-style: chr1-53427246-C-A.
Other names: c.336C>A, p.His112Gln (NM_001007098.3, NM_001193600.2); c.396C>A, p.His132Gln (NM_001193599.2); c.225C>A, p.His75Gln (NM_001193617.2); c.468C>A, p.His156Gln (NM_001330587.2); short protein forms H156Q, H132Q, H75Q, H112Q.
Identifiers: ClinVar variation 594671 (VCV000594671.9), dbSNP rs760012864, ClinGen allele CA857123.
Genomic context (GRCh38, chr1:52,961,574, plus strand): 5'-AACCATTCCCACTGATAAGCATGTTGACCTCCTGATCAATAAGTATGGATTGTCTGCTCA[C>A]CCAGTTGCTCCTCAGATGTTTGGGTATGCTGGAAAAGAACATATGGAAAAATATGGTATG-3'
Protein context (NP_002970.2, residues 146-166): LLINKYGLSA[His156Gln]PVAPQMFGYA